The following is an entry in ClinVar:

ClinVar aggregate classification (germline): Likely pathogenic (1 of 4 stars; one submission).

Conditions:
Spherocytosis. Identifiers: MedGen C0553720, HP:0004444.

Submission:

Clinical Genetics Laboratory, Skane University Hospital Lund
Classification: Likely pathogenic for Spherocytosis. Last evaluated: 2024-08-02. Review status: criteria provided, single submitter. Criteria: ACMG Guidelines, 2015. Collection method: clinical testing. Allele origin: germline. Affected: yes.
Comment: PVS1, PM2

NM_000037.4(ANK1):c.25_27+16del

Gene: ANK1 (ankyrin 1; minus strand). Cytogenetic location: 8p11.21.
Variant type: Deletion.
Coding change: c.25_27+16del on transcript NM_000037.4 (MANE Select); coding-DNA position 25 through 16 bases into the intron after coding-DNA position 27, 19 bases deleted (GAAGTGAGTACTGGGCGGC).
Molecular consequence: splice donor variant. On other transcripts: intron variant (1).
Genome position (GRCh38, 1-based): chr8:41,797,496-41,797,514, GCCGCCCAGTACTCACTTC deleted on the plus strand (GAAGTGAGTACTGGGCGGC on the coding strand, the reverse complement: ANK1 is on the minus strand); deleting any 19 consecutive bases within chr8:41,797,496-41,797,516 gives the same sequence; the c. name uses the placement nearest the transcript's 3' end. VCF-style (leftmost placement, unchanged base first): chr8-41797495-AGCCGCCCAGTACTCACTTC-A. GRCh37 (hg19) VCF-style: chr8-41655013-AGCCGCCCAGTACTCACTTC-A.
Other names: c.127-39377_127-39359del (NM_001142446.2); c.25_27+16del (NM_020477.3, NM_020475.3, NM_020476.3).
Identifiers: ClinVar variation 3767891 (VCV003767891.1).